The following is an entry in ClinVar:

ClinVar aggregate classification (germline): Uncertain significance (1 of 4 stars; one submission).

Allele frequency attached by ClinVar (database versions not stated): TOPMed below 0.00001; gnomAD exomes 0.00001.

Submission:

Labcorp Genetics (formerly Invitae), Labcorp
Classification: Uncertain significance. Last evaluated: 2019-11-23. Review status: criteria provided, single submitter. Criteria: Invitae Variant Classification Sherloc (09022015). Collection method: clinical testing. Allele origin: germline.
Comment: In summary, the available evidence is currently insufficient to determine the role of this variant in disease. Therefore, it has been classified as a Variant of Uncertain Significance. Algorithms developed to predict the effect of missense changes on protein structure and function are either unavailable or do not agree on the potential impact of this missense change (SIFT: "Deleterious"; PolyPhen-2: "Benign"; Align-GVGD: "Class C15"). This variant has not been reported in the literature in individuals with OPN1SW-related conditions. This variant is present in population databases (rs190617412, ExAC 0.02%). This sequence change replaces phenylalanine with leucine at codon 258 of the OPN1SW protein (p.Phe258Leu). The phenylalanine residue is highly conserved and there is a small physicochemical difference between phenylalanine and leucine.

NC_000007.14:g.128773802G>T

Gene: OPN1SW (opsin 1, short wave sensitive; minus strand). Cytogenetic location: 7q32.1.
Variant type: single nucleotide variant.
Genome position: GRCh38 VCF-style: chr7-128773802-G-T. GRCh37 (hg19) VCF-style: chr7-128413856-G-T.
Other names: NM_001708.2:c.774C>A.
Identifiers: ClinVar variation 845978 (VCV000845978.9), dbSNP rs190617412, ClinGen allele CA4472838.